The following is an entry in ClinVar:

Conditions:
Breast-ovarian cancer, familial, susceptibility to, 1 (BROVCA1). Also called: BRCA1 Hereditary Breast and Ovarian Cancer; OVARIAN CANCER, SUSCEPTIBILITY TO. Identifiers: Orphanet 145, MedGen C2676676, MONDO:0011450, OMIM 604370. Disease mechanism: loss of function.

Submission:

Brotman Baty Institute, University of Washington
No classification provided (evidence only). Condition: Breast-ovarian cancer, familial 1. Review status: no classification provided. Collection method: in vitro. Allele origin: not applicable. Functional consequence: functionally_normal.
ClinVar note: "not provided" was previously submitted as the classification for the variant. However, the classification appeared to be based only on an observation of functional data so it was converted to no classification on 2025-07-30.

NM_007294.4(BRCA1):c.4898G>C (p.Ser1633Thr)

Gene: BRCA1 (BRCA1 DNA repair associated; minus strand). Cytogenetic location: 17q21.31.
Variant type: single nucleotide variant.
Coding change: c.4898G>C on transcript NM_007294.4 (MANE Select); coding-DNA position 4898, G replaced by C.
Protein change: p.Ser1633Thr; replaces serine 1633 with threonine.
Molecular consequence: missense variant. On other transcripts: non-coding transcript variant (1).
Genome position (GRCh38, 1-based): chr17:43,071,016, C>G on the plus strand (G>C on the coding strand, the complement: BRCA1 is on the minus strand). VCF-style: chr17-43071016-C-G. GRCh37 (hg19) VCF-style: chr17-41223033-C-G.
Other names: c.4685G>C, p.Ser1562Thr (NM_001407571.1, NM_001407896.1, NM_001407897.1 and 12 more transcripts); c.4964G>C, p.Ser1655Thr (NM_001407581.1, NM_001407582.1); c.4961G>C, p.Ser1654Thr (NM_001407583.1, NM_001407585.1, NM_001407587.1 and 1 more transcripts); c.4958G>C, p.Ser1653Thr (NM_001407590.1, NM_001407591.1); c.4898G>C, p.Ser1633Thr (NM_001407593.1, NM_001407594.1, NM_001407596.1 and 8 more transcripts); c.4895G>C, p.Ser1632Thr (NM_001407610.1, NM_001407611.1, NM_001407612.1 and 17 more transcripts); c.4892G>C, p.Ser1631Thr (NM_001407627.1, NM_001407628.1, NM_001407629.1 and 14 more transcripts); c.4889G>C, p.Ser1630Thr (NM_001407645.1, NM_001407644.1); and 70 more; short protein forms S1633T, S1586T, S529T, S1654T, S1336T, S1479T, S1504T, S1505T.
Identifiers: ClinVar variation 865664 (VCV000865664.3), dbSNP rs2052385316, ClinGen allele CA10591729.
Genomic context (GRCh38, chr17:43,071,016, plus strand): 5'-ACCATGGACATTCTTTTGTTGACCCTTTCTGTTGAAGCTGTCAATTCTGGCTTCTCCCTG[C>G]TCACACTTTCTTCCATTGCATTATACCCAGCAGTATCAGTAGTATGAGCAGCAGCTGGAC-3'
Protein context (NP_009225.1, residues 1623-1643): AGYNAMEESV[Ser1633Thr]REKPELTAST